The following is an entry in ClinVar:

ClinVar aggregate classification (germline): Uncertain significance (1 of 4 stars; one submission).

Allele frequency attached by ClinVar (database versions not stated): gnomAD exomes below 0.00001.
gnomAD v4.1: 1 of 1,613,720 alleles (0.000062%); highest among the groups gnomAD compares: East Asian, 0.0022%; no homozygotes.

Submission:

Labcorp Genetics (formerly Invitae), Labcorp
Classification: Uncertain significance. Last evaluated: 2023-06-25. Review status: criteria provided, single submitter. Criteria: Invitae Variant Classification Sherloc (09022015). Collection method: clinical testing. Allele origin: germline.
Comment: In summary, the available evidence is currently insufficient to determine the role of this variant in disease. Therefore, it has been classified as a Variant of Uncertain Significance. Algorithms developed to predict the effect of sequence changes on RNA splicing suggest that this variant may disrupt the consensus splice site. An algorithm developed to predict the effect of missense changes on protein structure and function (PolyPhen-2) suggests that this variant is likely to be tolerated. This variant has not been reported in the literature in individuals affected with PROM1-related conditions. This variant is not present in population databases (gnomAD no frequency). This sequence change replaces valine, which is neutral and non-polar, with phenylalanine, which is neutral and non-polar, at codon 858 of the PROM1 protein (p.Val858Phe).

NM_006017.3(PROM1):c.2572G>T (p.Val858Phe)

Gene: PROM1 (prominin 1; minus strand). Cytogenetic location: 4p15.32.
Variant type: single nucleotide variant.
Coding change: c.2572G>T on transcript NM_006017.3 (MANE Select); coding-DNA position 2572, G replaced by T.
Protein change: p.Val858Phe; replaces valine 858 with phenylalanine.
Molecular consequence: missense variant. On other transcripts: intron variant (6).
Genome position (GRCh38, 1-based): chr4:15,979,405, C>A on the plus strand (G>T on the coding strand, the complement: PROM1 is on the minus strand). VCF-style: chr4-15979405-C-A. GRCh37 (hg19) VCF-style: chr4-15981028-C-A.
Other names: c.2545G>T, p.Val849Phe (NM_001145847.2, NM_001145848.2, NM_001371406.1); c.2462+1017G>T (NM_001145852.2, NM_001371408.1, NM_001371407.1); c.2489+1017G>T (NM_001145850.2); c.2486+476G>T (NM_001145851.2); c.2513+476G>T (NM_001145849.2); short protein forms V849F, V858F.
Identifiers: ClinVar variation 2718617 (VCV002718617.3), dbSNP rs1293714106, ClinGen allele CA356425540.